The following is an entry in ClinVar:

ClinVar aggregate classification (germline): Pathogenic/Likely pathogenic. Review status: criteria provided, multiple submitters, no conflicts (2 of 4 stars). 4 submissions from 4 submitters: Pathogenic (1); Likely pathogenic (2). 1 of the submissions does not count toward it. Last evaluated 2025-01-15.

Conditions:
Retinal dystrophy. Also called: Inherited retinal dystrophy. Identifiers: Orphanet 71862, MedGen C0854723, MeSH D058499, MONDO:0019118, HP:0000556.
BEST1-related disorder. Also called: BEST1-related condition; BEST1-related disorders. Identifiers: MedGen CN239200.

Submissions (4):

Labcorp Genetics (formerly Invitae), Labcorp
Classification: Pathogenic. Last evaluated: 2025-01-15. Review status: criteria provided, single submitter. Criteria: Invitae Variant Classification Sherloc (09022015). Collection method: clinical testing. Allele origin: germline.
Comment: This sequence change replaces glutamine, which is neutral and polar, with arginine, which is basic and polar, at codon 238 of the BEST1 protein (p.Gln238Arg). This variant is not present in population databases (gnomAD no frequency). This missense change has been observed in individuals with autosomal dominant Best vitelliform dystrophy (PMID: 32111077; internal data). ClinVar contains an entry for this variant (Variation ID: 987303). An algorithm developed to predict the effect of missense changes on protein structure and function (PolyPhen-2) suggests that this variant is likely to be disruptive. Experimental studies have shown that this missense change affects BEST1 function (PMID: 32111077). For these reasons, this variant has been classified as Pathogenic.

Blueprint Genetics
Classification: Likely pathogenic for BEST1-related disorders. Last evaluated: 2024-04-26. Review status: criteria provided, single submitter. Criteria: ACMG Guidelines, 2015. Collection method: clinical testing. Allele origin: germline. Affected: yes. Observed: 3 variant alleles.

Institute of Medical Genetics and Applied Genomics, University Hospital Tübingen
Classification: Likely pathogenic. Last evaluated: 2020-10-23. Review status: criteria provided, single submitter. Criteria: ACMG Guidelines, 2015. Collection method: clinical testing. Allele origin: germline. Inheritance: Autosomal dominant inheritance. Affected: yes.

Institute of Human Genetics, Univ. Regensburg, Univ. Regensburg
Classification: Pathogenic for Retinal dystrophy. Last evaluated: 2009-01-01. Review status: no assertion criteria provided. Criteria: ACMG Guidelines, 2015. Collection method: clinical testing. Allele origin: germline. Affected: yes. Not counted in ClinVar's aggregate classification.

Literature cited by the submitters: PubMed 32111077 (cited by Labcorp Genetics (formerly Invitae), Labcorp).

NM_004183.4(BEST1):c.713A>G (p.Gln238Arg)

Gene: BEST1 (bestrophin 1; plus strand). Cytogenetic location: 11q12.3.
Variant type: single nucleotide variant.
Coding change: c.713A>G on transcript NM_004183.4 (MANE Select); coding-DNA position 713, A replaced by G.
Protein change: p.Gln238Arg; replaces glutamine 238 with arginine.
Molecular consequence: missense variant. On other transcripts: non-coding transcript variant (1).
Genome position (GRCh38, 1-based): chr11:61,957,463, A>G. VCF-style: chr11-61957463-A-G. GRCh37 (hg19) VCF-style: chr11-61724935-A-G.
Other names: c.533A>G, p.Gln178Arg (NM_001139443.3, NM_001300786.2, NM_001300787.2); c.395A>G, p.Gln132Arg (NM_001363591.3); c.713A>G, p.Gln238Arg (NM_001363592.2); c.-463A>G (NM_001363593.3); short protein forms Q132R, Q178R, Q238R.
Identifiers: ClinVar variation 987303 (VCV000987303.9), dbSNP rs1941503926, ClinGen allele CA380838958.
Genomic context (GRCh38, chr11:61,957,463, plus strand): 5'-GTACTCAGTGTGGACACCTGTATGCCTACGACTGGATTAGTATCCCACTGGTGTATACAC[A>G]GGTGAGGACTAGGCTGGTGAGGCTGCCCTTTTGGGAAACTGAGGCTAGAAGGACCAAGGA-3'
Protein context (NP_004174.1, residues 228-248): DWISIPLVYT[Gln238Arg]VVTVAVYSFF